The following is an entry in ClinVar:

NM_001351132.2(PEX5):c.1259G>A (p.Arg420Gln)

Gene: PEX5 (peroxisomal biogenesis factor 5; plus strand). Cytogenetic location: 12p13.31.
Variant type: single nucleotide variant.
Coding change: c.1259G>A on transcript NM_001351132.2 (MANE Select); coding-DNA position 1259, G replaced by A.
Protein change: p.Arg420Gln; replaces arginine 420 with glutamine.
Molecular consequence: missense variant.
Genome position (GRCh38, 1-based): chr12:7,208,534, G>A. VCF-style: chr12-7208534-G-A. GRCh37 (hg19) VCF-style: chr12-7361130-G-A.
Other names: c.1235G>A, p.Arg412Gln (NM_000319.5); c.1304G>A, p.Arg435Gln (NM_001131023.2); c.1148G>A, p.Arg383Gln (NM_001131024.2, NM_001351124.3, NM_001351126.2 and 7 more transcripts); c.1259G>A, p.Arg420Gln (NM_001131025.2, NM_001131026.2, NM_001300789.3 and 4 more transcripts); c.1124G>A, p.Arg375Gln (NM_001374649.2, NM_001351139.2, NM_001351140.2); c.1193G>A, p.Arg398Gln (NM_001351135.3, NM_001351138.2); c.1250G>A, p.Arg417Gln (NM_001351136.2); c.1259G>A (NM_001131025.1); short protein forms R417Q, R412Q, R375Q, R398Q, R420Q, R435Q, R383Q.
Identifiers: ClinVar variation 1521855 (VCV001521855.4), dbSNP rs765532002, ClinGen allele CA6426410.
Genomic context (GRCh38, chr12:7,208,534, plus strand): 5'-CAGATAACCAGACAGCACTGATGGCGCTGGCTGTGAGCTTCACCAACGAGTCCCTGCAGC[G>A]ACAGGCCTGTGAAACCCTACGAGACTGGCTGCGGTACACACCAGCCTATGCCCATCTGGT-3'
Protein context (NP_001338061.1, residues 410-430): AVSFTNESLQ[Arg420Gln]QACETLRDWL

ClinVar aggregate classification (germline): Uncertain significance. Review status: criteria provided, multiple submitters, no conflicts (2 of 4 stars). 2 submissions from 2 submitters: Uncertain significance (2). Last evaluated 2025-12-23.

Conditions:
PEX5-related disorder. Also called: PEX5-related condition; PEX5-Related Disorders.
Peroxisome biogenesis disorder 2B (PBD2B). Identifiers: Orphanet 44, MedGen C3550234, MONDO:0008736, OMIM 202370.

Allele frequency attached by ClinVar (database versions not stated): ExAC 0.00002; gnomAD 0.00002.
gnomAD v4.1: 36 of 1,614,004 alleles (0.0022%); highest among the groups gnomAD compares: South Asian, 0.018%; no homozygotes.

Submissions (2):

PreventionGenetics, part of Exact Sciences
Classification: Uncertain significance for PEX5-related condition. Last evaluated: 2025-12-23. Review status: criteria provided, single submitter. Criteria: ACMG Guidelines, 2015. Collection method: clinical testing. Allele origin: germline.
Comment: The PEX5 c.1259G>A variant is predicted to result in the amino acid substitution p.Arg420Gln. To our knowledge, this variant has not been reported in the literature. This variant is reported in 0.0098% of alleles in individuals of South Asian descent in gnomAD. At this time, the clinical significance of this variant is uncertain due to the absence of conclusive functional and genetic evidence.

Labcorp Genetics (formerly Invitae), Labcorp
Classification: Uncertain significance for Peroxisome biogenesis disorder 2B. Last evaluated: 2022-08-05. Review status: criteria provided, single submitter. Criteria: Invitae Variant Classification Sherloc (09022015). Collection method: clinical testing. Allele origin: germline.
Comment: This sequence change replaces arginine, which is basic and polar, with glutamine, which is neutral and polar, at codon 420 of the PEX5 protein (p.Arg420Gln). This variant is present in population databases (rs765532002, gnomAD 0.01%). This variant has not been reported in the literature in individuals affected with PEX5-related conditions. ClinVar contains an entry for this variant (Variation ID: 1521855). Algorithms developed to predict the effect of missense changes on protein structure and function (SIFT, PolyPhen-2, Align-GVGD) all suggest that this variant is likely to be tolerated. In summary, the available evidence is currently insufficient to determine the role of this variant in disease. Therefore, it has been classified as a Variant of Uncertain Significance.